The following is an entry in ClinVar:

ClinVar aggregate classification (germline): Likely pathogenic (1 of 4 stars; one submission).

gnomAD v4.1: 1 of 1,614,138 alleles (0.000062%); highest among the groups gnomAD compares: South Asian, 0.0011%; no homozygotes.

Submission:

Labcorp Genetics (formerly Invitae), Labcorp
Classification: Likely pathogenic. Last evaluated: 2022-05-20. Review status: criteria provided, single submitter. Criteria: Invitae Variant Classification Sherloc (09022015). Collection method: clinical testing. Allele origin: germline.
Comment: In summary, the currently available evidence indicates that the variant is pathogenic, but additional data are needed to prove that conclusively. Therefore, this variant has been classified as Likely Pathogenic. Algorithms developed to predict the effect of sequence changes on RNA splicing suggest that this variant may disrupt the consensus splice site. This variant has not been reported in the literature in individuals affected with RGS9-related conditions. This variant is not present in population databases (gnomAD no frequency). This sequence change affects an acceptor splice site in intron 2 of the RGS9 gene. It is expected to disrupt RNA splicing. Variants that disrupt the donor or acceptor splice site typically lead to a loss of protein function (PMID: 16199547), and loss-of-function variants in RGS9 are known to be pathogenic (PMID: 11262419, 14702087).

Literature cited by the submitters: PubMed 16199547; PubMed 11262419; PubMed 14702087.

NM_003835.4(RGS9):c.155-1G>T

Gene: RGS9 (regulator of G protein signaling 9; plus strand). Cytogenetic location: 17q24.1.
Variant type: single nucleotide variant.
Coding change: c.155-1G>T on transcript NM_003835.4 (MANE Select); the canonical splice acceptor site of the intron before coding-DNA position 155, G replaced by T.
Molecular consequence: splice acceptor variant.
Genome position (GRCh38, 1-based): chr17:65,158,294, G>T. VCF-style: chr17-65158294-G-T. GRCh37 (hg19) VCF-style: chr17-63154412-G-T.
Other names: c.155-1G>T (NM_001081955.3, NM_001165933.2).
Identifiers: ClinVar variation 1997078 (VCV001997078.4), dbSNP rs2509363977, ClinGen allele CA400663524.